The following is an entry in ClinVar:

ClinVar aggregate classification (germline): Likely pathogenic. Review status: criteria provided, single submitter (1 of 4 stars). 2 submissions from 2 submitters: Likely pathogenic (1). 1 of the submissions does not count toward it. Last evaluated 2025-03-06.

Conditions:
MYH3-related disorder. Also called: MYH3-Related Disorders; MYH3-related condition. Identifiers: MedGen CN239329.

Submissions (2):

Labcorp Genetics (formerly Invitae), Labcorp
Classification: Likely pathogenic. Last evaluated: 2025-03-06. Review status: criteria provided, single submitter. Criteria: Invitae Variant Classification Sherloc (09022015). Collection method: clinical testing. Allele origin: germline.
Comment: This sequence change replaces glutamic acid, which is acidic and polar, with lysine, which is basic and polar, at codon 281 of the MYH3 protein (p.Glu281Lys). This variant is not present in population databases (gnomAD no frequency). This missense change has been observed in individual(s) with clinical features of MYH3-related conditions (PMID: 32381727, 35169139). In at least one individual the variant was observed to be de novo. ClinVar contains an entry for this variant (Variation ID: 1065361). Invitae Evidence Modeling of protein sequence and biophysical properties (such as structural, functional, and spatial information, amino acid conservation, physicochemical variation, residue mobility, and thermodynamic stability) has been performed for this missense variant. However, the output from this modeling did not meet the statistical confidence thresholds required to predict the impact of this variant on MYH3 protein function. In summary, the currently available evidence indicates that the variant is pathogenic, but additional data are needed to prove that conclusively. Therefore, this variant has been classified as Likely Pathogenic.

Beijing Key Laboratory for Genetic Research of Skeletal Deformity, Peking Union Medical College Hospital
Classification: Likely pathogenic for MYH3-related disorders. Last evaluated: 2021-01-01. Review status: no assertion criteria provided. Collection method: research. Allele origin: de novo. Affected: yes. Not counted in ClinVar's aggregate classification.

Literature cited by the submitters: PubMed 32381727 (cited by Labcorp Genetics (formerly Invitae), Labcorp); PubMed 35169139 (cited by Labcorp Genetics (formerly Invitae), Labcorp).

NM_002470.4(MYH3):c.841G>A (p.Glu281Lys)

Gene: MYH3 (myosin heavy chain 3; minus strand). Cytogenetic location: 17p13.1.
Variant type: single nucleotide variant.
Coding change: c.841G>A on transcript NM_002470.4 (MANE Select); coding-DNA position 841, G replaced by A.
Protein change: p.Glu281Lys; replaces glutamic acid 281 with lysine.
Molecular consequence: missense variant.
Genome position (GRCh38, 1-based): chr17:10,647,239, C>T on the plus strand (G>A on the coding strand, the complement: MYH3 is on the minus strand). VCF-style: chr17-10647239-C-T. GRCh37 (hg19) VCF-style: chr17-10550556-C-T.
Other names: short protein forms E281K.
Identifiers: ClinVar variation 1065361 (VCV001065361.3), dbSNP rs2142413627, ClinGen allele CA398177898.
Genomic context (GRCh38, chr17:10,647,239, plus strand): 5'-CACCTATGAGCTCAGGCTTCTTGTTAGAAAGAATCTGGTAGAAGATGTGGTAGCTTCTTT[C>T]AGCCTTCAGCTGGAAAGTGACTCTTGATTTTTCCAGAAGATCTGGAACACAAACACAGGA-3'
Protein context (NP_002461.2, residues 271-291): KSRVTFQLKA[Glu281Lys]RSYHIFYQIL